The following is an entry in ClinVar:

NM_000138.5(FBN1):c.4967G>T (p.Gly1656Val)

Gene: FBN1 (fibrillin 1; minus strand). Cytogenetic location: 15q21.1.
Variant type: single nucleotide variant.
Coding change: c.4967G>T on transcript NM_000138.5 (MANE Select); coding-DNA position 4967, G replaced by T.
Protein change: p.Gly1656Val; replaces glycine 1656 with valine.
Molecular consequence: missense variant.
Genome position (GRCh38, 1-based): chr15:48,463,997, C>A on the plus strand (G>T on the coding strand, the complement: FBN1 is on the minus strand). VCF-style: chr15-48463997-C-A. GRCh37 (hg19) VCF-style: chr15-48756194-C-A.
Other names: short protein forms G1656V.
Identifiers: ClinVar variation 925481 (VCV000925481.5), dbSNP rs2043301092, ClinGen allele CA392350382.

ClinVar aggregate classification (germline): Uncertain significance (1 of 4 stars; one submission).

Conditions:
Familial thoracic aortic aneurysm and aortic dissection (TAAD). Also called: Thoracic aortic aneurysms and dissections. Identifiers: Orphanet 91387, MedGen C4707243, MONDO:0019625.

Submission:

Color Diagnostics, LLC DBA Color Health
Classification: Uncertain significance for Familial thoracic aortic aneurysm and aortic dissection. Last evaluated: 2023-12-05. Review status: criteria provided, single submitter. Criteria: ACMG Guidelines, 2015. Collection method: clinical testing. Allele origin: germline.
Comment: Variant of Uncertain Significance due to insufficient evidence: This missense variant is located in the calcium-binding EGF-like motif 28 of the FBN1 protein. Computational prediction tools and conservation analyses suggest that this variant may have deleterious impact on the protein function. Computational splicing tools suggest that this variant may not impact RNA splicing. To our knowledge, functional assays have not been performed for this variant nor has this variant been reported in individuals affected with cardiovascular disorders in the literature. This variant is rare in the general population and has been identified in 0/277264 chromosomes by the Genome Aggregation Database (gnomAD). Available evidence is insufficient to determine the role of this variant in disease conclusively.